The following is an entry in ClinVar:

ClinVar aggregate classification (germline): Pathogenic. Review status: criteria provided, multiple submitters, no conflicts (2 of 4 stars). 3 submissions from 3 submitters: Pathogenic (3). Last evaluated 2023-05-12.

Conditions:
Congenital adrenal hypoplasia, X-linked (AHC). Also called: Isolated X-Linked Adrenal Hypoplasia Congenita; X-linked AHC; X-Linked Adrenal Hypoplasia Congenita; ADRENAL HYPOPLASIA, CONGENITAL, WITH HYPOGONADOTROPIC HYPOGONADISM. Identifiers: Orphanet 95702, MedGen C0342482, MONDO:0010264, OMIM 300200. Disease mechanism: loss of function.
46,XY sex reversal 2. Also called: NR0B1-Related 46,XY CGD; NR0B1-related 46,XY complete gonadal dysgenesis; 46,XY SEX REVERSAL, DAX1-RELATED; 46XY sex reversal 2, dosage-sensitive; Dosage-sensitive sex reversal. Identifiers: MedGen C1848296, MONDO:0010226, OMIM 300018.

Submissions (3):

Genomic Medicine Center of Excellence, King Faisal Specialist Hospital and Research Centre
Classification: Pathogenic for Congenital adrenal hypoplasia, X-linked. Last evaluated: 2023-05-12. Review status: criteria provided, single submitter. Criteria: ACMG Guidelines, 2015. Collection method: clinical testing. Allele origin: germline.

Labcorp Genetics (formerly Invitae), Labcorp
Classification: Pathogenic for Congenital adrenal hypoplasia, X-linked; 46,XY sex reversal 2. Last evaluated: 2023-04-28. Review status: criteria provided, single submitter. Criteria: Invitae Variant Classification Sherloc (09022015). Collection method: clinical testing. Allele origin: germline.
Comment: For these reasons, this variant has been classified as Pathogenic. ClinVar contains an entry for this variant (Variation ID: 590884). This variant has not been reported in the literature in individuals affected with NR0B1-related conditions. This variant is not present in population databases (gnomAD no frequency). This sequence change creates a premature translational stop signal (p.Glu307*) in the NR0B1 gene. It is expected to result in an absent or disrupted protein product. Loss-of-function variants in NR0B1 are known to be pathogenic (PMID: 7990958, 15841486).

Clinical Molecular Genetics Laboratory, Johns Hopkins All Children's Hospital
Classification: Pathogenic for Congenital adrenal hypoplasia, X-linked. Last evaluated: 2018-11-23. Review status: criteria provided, single submitter. Criteria: ACMG Guidelines, 2015. Collection method: clinical testing. Allele origin: germline. Inheritance: X-linked inheritance. Affected: yes. Observed: 1 hemizygote.

Literature cited by the submitters: PubMed 7990958 (cited by Labcorp Genetics (formerly Invitae), Labcorp); PubMed 15841486 (cited by Labcorp Genetics (formerly Invitae), Labcorp).

NM_000475.5(NR0B1):c.919G>T (p.Glu307Ter)

Gene: NR0B1 (nuclear receptor subfamily 0 group B member 1; minus strand). Cytogenetic location: Xp21.2.
Variant type: single nucleotide variant.
Coding change: c.919G>T on transcript NM_000475.5 (MANE Select); coding-DNA position 919, G replaced by T.
Protein change: p.Glu307Ter; replaces glutamic acid 307 with a stop codon.
Molecular consequence: nonsense.
Genome position (GRCh38, 1-based): chrX:30,308,445, C>A on the plus strand (G>T on the coding strand, the complement: NR0B1 is on the minus strand). VCF-style: chrX-30308445-C-A. GRCh37 (hg19) VCF-style: chrX-30326562-C-A.
Other names: short protein forms E307*.
Identifiers: ClinVar variation 590884 (VCV000590884.10), dbSNP rs1324519932, ClinGen allele CA412547279.
Genomic context (GRCh38, chrX:30,308,445, plus strand): 5'-CCCGCCGCCTGGTGGTGAGGATCTTCTGCAGCATGCTGGGCTCCGAGACTTCCACAGTCT[C>A]GAACTGCAAGCGGTCCTGGGCCAGCTCAAGCATGAGCAGGGACGCCCAGCAGTTGCGCAC-3'